The following is an entry in ClinVar:

ClinVar aggregate classification (germline): Pathogenic. Review status: criteria provided, multiple submitters, no conflicts (2 of 4 stars). 3 submissions from 3 submitters: Pathogenic (3). Last evaluated 2026-08-06.

Conditions:
Paediatric disorders.

Submissions (3):

NHS Central & South Genomic Laboratory Hub
Classification: Pathogenic for Paediatric disorders. Last evaluated: 2026-08-06. Review status: criteria provided, single submitter. Criteria: ACMG Guidelines, 2015. Collection method: clinical testing. Allele origin: germline. Affected: yes.

Labcorp Genetics (formerly Invitae), Labcorp
Classification: Pathogenic. Last evaluated: 2024-10-03. Review status: criteria provided, single submitter. Criteria: Invitae Variant Classification Sherloc (09022015). Collection method: clinical testing. Allele origin: germline.
Comment: This sequence change creates a premature translational stop signal (p.Arg85Serfs*2) in the WAC gene. It is expected to result in an absent or disrupted protein product. Loss-of-function variants in WAC are known to be pathogenic (PMID: 26264232, 26757981). This variant is not present in population databases (gnomAD no frequency). This variant has not been reported in the literature in individuals affected with WAC-related conditions. ClinVar contains an entry for this variant (Variation ID: 1179573). For these reasons, this variant has been classified as Pathogenic.

GeneDx
Classification: Pathogenic. Last evaluated: 2020-05-22. Review status: criteria provided, single submitter. Criteria: GeneDx Variant Classification Process June 2021. Collection method: clinical testing. Allele origin: germline. Affected: yes.
Comment: Frameshift variant predicted to result in protein truncation or nonsense mediated decay in a gene for which loss-of-function is a known mechanism of disease; Not observed in large population cohorts (Lek et al., 2016); Has not been previously published as pathogenic or benign to our knowledge

Literature cited by the submitters: PubMed 26264232 (cited by Labcorp Genetics (formerly Invitae), Labcorp); PubMed 26757981 (cited by Labcorp Genetics (formerly Invitae), Labcorp).

NM_016628.5(WAC):c.255_256del (p.Arg85fs)

Gene: WAC (WW domain containing adaptor with coiled-coil; plus strand). Cytogenetic location: 10p12.1.
Variant type: Microsatellite.
Coding change: c.255_256del on transcript NM_016628.5 (MANE Select); coding-DNA positions 255 to 256, 2 bases deleted (AG; older notation c.255_256delAG).
Protein change: p.Arg85fs; shifts the reading frame from arginine 85.
Molecular consequence: frameshift variant.
Genome position (GRCh38, 1-based): chr10:28,535,738-28,535,739, AG deleted; deleting any 2 consecutive bases within chr10:28,535,736-28,535,739 gives the same sequence; the c. name uses the placement nearest the transcript's 3' end. VCF-style (leftmost placement, unchanged base first): chr10-28535735-CAG-C. GRCh37 (hg19) VCF-style: chr10-28824664-CAG-C.
Other names: c.120_121del, p.Arg40fs (NM_100264.3); c.255_256del, p.Arg85fs (NM_100486.4); short protein forms R40fs, R85fs.
Identifiers: ClinVar variation 1179573 (VCV001179573.8), dbSNP rs2132308307, ClinGen allele CA2580615443.